The following is an entry in ClinVar:

ClinVar aggregate classification (germline): Conflicting classifications of pathogenicity. Review status: criteria provided, conflicting classifications (1 of 4 stars). 2 submissions from 2 submitters: Uncertain significance (1); Likely benign (1). Last evaluated 2024-06-10.

Allele frequency attached by ClinVar (database versions not stated): TOPMed below 0.00001; ExAC 0.00001; gnomAD exomes 0.00001.
gnomAD v4.1: 10 of 1,614,086 alleles (0.00062%); highest among the groups gnomAD compares: East Asian, 0.0089%; no homozygotes.

Submissions (2):

Women's Health and Genetics/Laboratory Corporation of America, LabCorp
Classification: Uncertain significance. Last evaluated: 2024-06-10. Review status: criteria provided, single submitter. Criteria: LabCorp Variant Classification Summary - May 2015. Collection method: clinical testing. Allele origin: germline.
Comment: Variant summary: COL11A2 c.4201C>T (p.Arg1401Trp) results in a non-conservative amino acid change in the encoded protein sequence. Four of five in-silico tools predict a damaging effect of the variant on protein function. The variant allele was found at a frequency of 8e-06 in 251336 control chromosomes (gnomAD). The available data on variant occurrences in the general population are insufficient to allow any conclusion about variant significance. c.4201C>T has been reported in the literature in individuals affected with rheumatoid arthritis and hearing loss (Tuschida_2022). These report(s) do not provide unequivocal conclusions about association of the variant with COL11A2-Related Disorders. To our knowledge, no experimental evidence demonstrating an impact on protein function has been reported. The following publication have been ascertained in the context of this evaluation (PMID: 35363175). ClinVar contains an entry for this variant (Variation ID: 2171094). Based on the evidence outlined above, the variant was classified as uncertain significance.

Labcorp Genetics (formerly Invitae), Labcorp
Classification: Likely benign. Last evaluated: 2023-07-03. Review status: criteria provided, single submitter. Criteria: Invitae Variant Classification Sherloc (09022015). Collection method: clinical testing. Allele origin: germline.

Literature cited by the submitters: PubMed 35363175 (cited by Women's Health and Genetics/Laboratory Corporation of America, LabCorp).

NM_080680.3(COL11A2):c.4201C>T (p.Arg1401Trp)

Gene: COL11A2 (collagen type XI alpha 2 chain; minus strand). Cytogenetic location: 6p21.32.
Variant type: single nucleotide variant.
Coding change: c.4201C>T on transcript NM_080680.3 (MANE Select); coding-DNA position 4201, C replaced by T.
Protein change: p.Arg1401Trp; replaces arginine 1401 with tryptophan.
Molecular consequence: missense variant.
Genome position (GRCh38, 1-based): chr6:33,167,099, G>A on the plus strand (C>T on the coding strand, the complement: COL11A2 is on the minus strand). VCF-style: chr6-33167099-G-A. GRCh37 (hg19) VCF-style: chr6-33134876-G-A.
Other names: c.3880C>T, p.Arg1294Trp (NM_080679.3); c.3943C>T, p.Arg1315Trp (NM_080681.3); short protein forms R1401W, R1294W, R1315W.
Identifiers: ClinVar variation 2171094 (VCV002171094.5), dbSNP rs751584939, ClinGen allele CA3750185.
Genomic context (GRCh38, chr6:33,167,099, plus strand): 5'-ACACCTGGCCACGTGTCTGTCTGTCACTCACCTTCTCTCCCTTGGCTCCAGCATCGCCCC[G>A]GAGACCAGGCAGCCCTGGGGGTCCCTGTGGAGAGATGGGAAGTCATTCTCTTAAGGGAGA-3'
Protein context (NP_542411.2, residues 1391-1411): PVGPPGLPGL[Arg1401Trp]GDAGAKGEKG